The following is an entry in ClinVar:

NM_205768.3(ZBTB18):c.1307G>T (p.Arg436Leu)

Gene: ZBTB18 (zinc finger and BTB domain containing 18; plus strand). Cytogenetic location: 1q44.
Variant type: single nucleotide variant.
Coding change: c.1307G>T on transcript NM_205768.3 (MANE Select); coding-DNA position 1307, G replaced by T.
Protein change: p.Arg436Leu; replaces arginine 436 with leucine.
Molecular consequence: missense variant.
Genome position (GRCh38, 1-based): chr1:244,055,081, G>T. VCF-style: chr1-244055081-G-T. GRCh37 (hg19) VCF-style: chr1-244218383-G-T.
Other names: NM_205768.3(ZBTB18):c.1307G>T; c.1280G>T, p.Arg427Leu (NM_001278196.2, NM_006352.5); short protein forms R436L, R427L.
Identifiers: ClinVar variation 813952 (VCV000813952.2), dbSNP rs1572531765, ClinGen allele CA345674830.

ClinVar aggregate classification (germline): Uncertain significance. Review status: criteria provided, single submitter (1 of 4 stars). 2 submissions from 1 submitter: Uncertain significance (2). Last evaluated 2024-05-17.

Conditions:
Intellectual developmental disorder, autosomal dominant 22. Also called: Intellectual disability, autosomal dominant 22. Identifiers: MedGen CN029689, MONDO:0012869, OMIM 612337.
Intellectual disability. Also called: Intellectual developmental disorder; Intellectual functioning disability; intellectual disabilities. Identifiers: MedGen C3714756, MeSH D008607, MONDO:0001071, HP:0001249.

Submissions (2):

Broad Center for Mendelian Genomics, Broad Institute of MIT and Harvard
Classification: Uncertain significance for Intellectual disability. Last evaluated: 2024-05-17. Review status: criteria provided, single submitter. Criteria: ACMG Guidelines, 2015. Collection method: curation. Allele origin: germline. Inheritance: Autosomal dominant inheritance.
Comment: This variant has also been reported in one individual with intellectual developmental disorder (PMID: 30819258), but was absent from large population studies. The number of reported affected individuals with this variant is slightly greater than expected compared to non-affected individuals with this variant. Computational prediction tools and conservation analyses do not provide strong support for or against an impact to the protein. The number of missense variants reported in ZBTB18 in the general population is lower than expected, suggesting there is little benign variation in this gene and slightly increasing the possibility that a missense variant in this gene may not be tolerated. One additional likely pathogenic variant, resulting in a different amino acid change at the same position, (p.Arg436His), has been reported in association with disease in the literature, slightly supporting that a change at this position may not be tolerated (PMID: 31238879, Variation ID: 976114). In summary, the clinical significance of the p.Arg436Leu variant is uncertain. ACMG/AMP Criteria applied: PS4_Supporting, PM2_Supporting, PP2, PM5_Supporting (Richards 2015).

Broad Center for Mendelian Genomics, Broad Institute of MIT and Harvard
Classification: Uncertain significance for Intellectual developmental disorder, autosomal dominant 22. Last evaluated: 2018-12-03. Review status: criteria provided, single submitter. Criteria: ACMG Guidelines, 2015. Collection method: research. Allele origin: germline. Inheritance: Autosomal dominant inheritance. Affected: yes.
Comment: This variant was absent from large population studies. Computational prediction tools and conservation analyses do not provide strong support for or against an impact to the protein. In summary, the clinical significance of the p.Arg436Leu variant is uncertain. ACMG/AMP Criteria applied: PM2 (Richards 2015).